The following is an entry in ClinVar:

ClinVar aggregate classification (germline): Benign/Likely benign. Review status: criteria provided, multiple submitters, no conflicts (2 of 4 stars). 5 submissions from 5 submitters: Benign (1); Likely benign (4). Last evaluated 2025-12-22.

Conditions:
Hereditary cancer-predisposing syndrome. Also called: Hereditary Cancer Syndrome; Neoplastic Syndromes, Hereditary; Tumor predisposition; Hereditary neoplastic syndrome. Identifiers: Orphanet 140162, MedGen C0027672, MeSH D009386, MONDO:0015356.
Colorectal cancer, susceptibility to, 12 (CRCS12). Also called: COLORECTAL CANCER, SUSCEPTIBILITY TO, ON CHROMOSOME 12q24. Identifiers: Orphanet 220460, MedGen C3554460, MONDO:0014038, OMIM 615083.

Allele frequency attached by ClinVar (database versions not stated): gnomAD exomes below 0.00001; ExAC 0.00001; gnomAD 0.00001; TOPMed 0.00002.

Submissions (5):

Labcorp Genetics (formerly Invitae), Labcorp
Classification: Likely benign. Last evaluated: 2025-12-22. Review status: criteria provided, single submitter. Criteria: Invitae Variant Classification Sherloc (09022015). Collection method: clinical testing. Allele origin: germline.

Quest Diagnostics Nichols Institute San Juan Capistrano
Classification: Likely benign. Last evaluated: 2025-09-04. Review status: criteria provided, single submitter. Criteria: Quest Diagnostics criteria. Collection method: clinical testing. Allele origin: unknown.

Myriad Genetics, Inc.
Classification: Benign for Colorectal cancer, susceptibility to, 12. Last evaluated: 2025-02-07. Review status: criteria provided, single submitter. Criteria: Myriad Autosomal Dominant, Autosomal Recessive and X-Linked Classification Criteria (2023). Collection method: clinical testing. Allele origin: unknown.
Comment: This variant is considered benign. This variant is a silent/synonymous amino acid change and it is not expected to impact splicing.

Ambry Genetics
Classification: Likely benign for Hereditary cancer-predisposing syndrome. Last evaluated: 2020-10-06. Review status: criteria provided, single submitter. Criteria: Ambry Variant Classification Scheme 2023. Collection method: clinical testing. Allele origin: germline.

GeneDx
Classification: Likely benign. Last evaluated: 2018-01-18. Review status: criteria provided, single submitter. Criteria: GeneDx Variant Classification (06012015). Collection method: clinical testing. Allele origin: germline. Affected: yes.
Comment: This variant is considered likely benign or benign based on one or more of the following criteria: it is a conservative change, it occurs at a poorly conserved position in the protein, it is predicted to be benign by multiple in silico algorithms, and/or has population frequency not consistent with disease.

NM_006231.4(POLE):c.841C>T (p.Leu281=)

Gene: POLE (DNA polymerase epsilon, catalytic subunit; minus strand). Cytogenetic location: 12q24.33.
Variant type: single nucleotide variant.
Coding change: c.841C>T on transcript NM_006231.4 (MANE Select); coding-DNA position 841, C replaced by T.
Protein change: p.Leu281=; no amino-acid change (leucine 281 retained).
Molecular consequence: synonymous variant.
Genome position (GRCh38, 1-based): chr12:132,676,614, G>A on the plus strand (C>T on the coding strand, the complement: POLE is on the minus strand). VCF-style: chr12-132676614-G-A. GRCh37 (hg19) VCF-style: chr12-133253200-G-A.
Identifiers: ClinVar variation 515022 (VCV000515022.16), dbSNP rs765827736, ClinGen allele CA6894160.